The following is an entry in ClinVar:

ClinVar aggregate classification (germline): Uncertain significance (1 of 4 stars; one submission).

gnomAD v4.1: 1 of 1,610,230 alleles (0.000062%); highest among the groups gnomAD compares: Admixed American, 0.0017%; no homozygotes.

Submission:

Labcorp Genetics (formerly Invitae), Labcorp
Classification: Uncertain significance. Last evaluated: 2022-06-20. Review status: criteria provided, single submitter. Criteria: Invitae Variant Classification Sherloc (09022015). Collection method: clinical testing. Allele origin: germline.
Comment: In summary, the available evidence is currently insufficient to determine the role of this variant in disease. Therefore, it has been classified as a Variant of Uncertain Significance. Algorithms developed to predict the effect of missense changes on protein structure and function output the following: SIFT: "Tolerated"; PolyPhen-2: "Benign"; Align-GVGD: "Class C0". The leucine amino acid residue is found in multiple mammalian species, which suggests that this missense change does not adversely affect protein function. ClinVar contains an entry for this variant (Variation ID: 1041216). This variant has not been reported in the literature in individuals affected with SZT2-related conditions. This variant is not present in population databases (gnomAD no frequency). This sequence change replaces methionine, which is neutral and non-polar, with leucine, which is neutral and non-polar, at codon 2670 of the SZT2 protein (p.Met2670Leu).

NM_001365999.1(SZT2):c.8179A>C (p.Met2727Leu)

Gene: SZT2 (SZT2 subunit of KICSTOR complex; plus strand). Cytogenetic location: 1p34.2.
Variant type: single nucleotide variant.
Coding change: c.8179A>C on transcript NM_001365999.1 (MANE Select); coding-DNA position 8179, A replaced by C.
Protein change: p.Met2727Leu; replaces methionine 2727 with leucine.
Molecular consequence: missense variant.
Genome position (GRCh38, 1-based): chr1:43,442,846, A>C. VCF-style: chr1-43442846-A-C. GRCh37 (hg19) VCF-style: chr1-43908517-A-C.
Other names: c.8008A>C, p.Met2670Leu (NM_015284.4); short protein forms M2670L, M2727L.
Identifiers: ClinVar variation 1041216 (VCV001041216.8), dbSNP rs755144394, ClinGen allele CA340038008.